The following is an entry in ClinVar:

NM_004036.5(ADCY3):c.675+7C>T

Gene: ADCY3 (adenylate cyclase 3; minus strand). Cytogenetic location: 2p23.3.
Variant type: single nucleotide variant.
Coding change: c.675+7C>T on transcript NM_004036.5 (MANE Select); 7 bases into the intron after coding-DNA position 675, C replaced by T.
Molecular consequence: intron variant.
Genome position (GRCh38, 1-based): chr2:24,918,306, G>A on the plus strand (C>T on the coding strand, the complement: ADCY3 is on the minus strand). VCF-style: chr2-24918306-G-A. GRCh37 (hg19) VCF-style: chr2-25141175-G-A.
Other names: c.675+7C>T (NM_001377130.1, NM_001377129.1, NM_001320613.2 and 2 more transcripts).
Identifiers: ClinVar variation 2431868 (VCV002431868.1), dbSNP rs1389987930, ClinGen allele CA531361582.

ClinVar aggregate classification (germline): Uncertain significance (1 of 4 stars; one submission).

Conditions:
BODY MASS INDEX QUANTITATIVE TRAIT LOCUS 19 (BMIQ19). Also called: OBESITY (BMIQ19), SUSCEPTIBILITY TO. Identifiers: MedGen C4693522, OMIM 617885.

Allele frequency attached by ClinVar (database versions not stated): gnomAD exomes below 0.00001; TOPMed below 0.00001.
gnomAD v4.1: 2 of 1,551,594 alleles (0.00013%); highest among the groups gnomAD compares: Admixed American, 0.0038%; no homozygotes.

Submission:

Laboratorio de Genetica e Diagnostico Molecular, Hospital Israelita Albert Einstein
Classification: Uncertain significance for BODY MASS INDEX QUANTITATIVE TRAIT LOCUS 19. Last evaluated: 2022-07-01. Review status: criteria provided, single submitter. Criteria: ACMG Guidelines, 2015. Collection method: clinical testing. Allele origin: germline. Affected: yes. Observed: 1 variant allele.
Comment: ACMG classification criteria: PM2 moderated